The following is an entry in ClinVar:

ClinVar aggregate classification (germline): Uncertain significance (1 of 4 stars; one submission).

Conditions:
Ehlers-Danlos syndrome, spondylodysplastic type, 2 (EDSSPD2). Also called: Ehlers-Danlos syndrome, progeroid type, 2. Identifiers: Orphanet 536467, Orphanet 75496, MedGen C3809210, MONDO:0014139, OMIM 615349.
Spondyloepimetaphyseal dysplasia with joint laxity (SEMDJL). Identifiers: MedGen C0432243, MONDO:0019675.

Submission:

Labcorp Genetics (formerly Invitae), Labcorp
Classification: Uncertain significance for Ehlers-Danlos syndrome, spondylodysplastic type, 2; Spondyloepimetaphyseal dysplasia with joint laxity. Last evaluated: 2017-10-14. Review status: criteria provided, single submitter. Criteria: Invitae Variant Classification Sherloc (09022015). Collection method: clinical testing. Allele origin: germline.
Comment: This sequence change results in a premature translational stop signal in the B3GALT6 gene (p.Phe149Serfs*129). While this is not anticipated to result in nonsense mediated decay, it is expected to disrupt the last 181 amino acids of the B3GALT6 protein. This variant is not present in population databases (ExAC no frequency). This variant has not been reported in the literature in individuals with B3GALT6-related disease. In summary, the available evidence is currently insufficient to determine the role of this variant in disease. Therefore, it has been classified as a Variant of Uncertain Significance.

NM_080605.4(B3GALT6):c.446del (p.Phe149fs)

Gene: B3GALT6 (beta-1,3-galactosyltransferase 6; plus strand). Cytogenetic location: 1p36.33.
Variant type: Deletion.
Coding change: c.446del on transcript NM_080605.4 (MANE Select); coding-DNA position 446, one base deleted (T; older notation c.446delT).
Protein change: p.Phe149fs; shifts the reading frame from phenylalanine 149.
Molecular consequence: frameshift variant.
Genome position (GRCh38, 1-based): chr1:1,232,724, T deleted; the last of 2 consecutive T bases (chr1:1,232,723-1,232,724); deleting either gives the same sequence. VCF-style (leftmost placement, unchanged base first): chr1-1232722-CT-C. GRCh37 (hg19) VCF-style: chr1-1168102-CT-C.
Other names: short protein forms F149fs.
Identifiers: ClinVar variation 541338 (VCV000541338.4), dbSNP rs1553151257, ClinGen allele CA658795354.
Genomic context (GRCh38, chr1:1,232,722, plus strand): 5'-CTACGAAAACCTCACGGCCAAGGTGCTGGCCATGCTGGCCTGGCTGGACGAGCACGTGGC[CT>C]TCGAGTTCGTGCTCAAGGCGGACGACGACTCCTTCGCGCGGCTGGACGCGCTGCTGGCCG-3'